The following is an entry in ClinVar:

ClinVar aggregate classification (germline): Uncertain significance (1 of 4 stars; one submission).

Allele frequency attached by ClinVar (database versions not stated): gnomAD exomes below 0.00001.

Submission:

Labcorp Genetics (formerly Invitae), Labcorp
Classification: Uncertain significance. Last evaluated: 2024-10-03. Review status: criteria provided, single submitter. Criteria: Invitae Variant Classification Sherloc (09022015). Collection method: clinical testing. Allele origin: germline.
Comment: This sequence change creates a premature translational stop signal (p.Arg358Lysfs*21) in the ANKZF1 gene. It is expected to result in an absent or disrupted protein product. However, the current clinical and genetic evidence is not sufficient to establish whether loss-of-function variants in ANKZF1 cause disease. This variant is not present in population databases (gnomAD no frequency). This variant has not been reported in the literature in individuals affected with ANKZF1-related conditions. In summary, the available evidence is currently insufficient to determine the role of this variant in disease. Therefore, it has been classified as a Variant of Uncertain Significance.

NM_018089.3(ANKZF1):c.1072dup (p.Arg358fs)

Gene: ANKZF1 (ankyrin repeat and zinc finger peptidyl tRNA hydrolase 1; plus strand). Cytogenetic location: 2q35.
Variant type: Duplication.
Coding change: c.1072dup on transcript NM_018089.3 (MANE Select); coding-DNA position 1072, one base duplicated (A; older notation c.1072dupA).
Protein change: p.Arg358fs; shifts the reading frame from arginine 358.
Molecular consequence: frameshift variant.
Genome position (GRCh38, 1-based): chr2:219,234,156, A duplicated. VCF-style (leftmost placement, unchanged base first): chr2-219234155-C-CA. GRCh37 (hg19) VCF-style: chr2-220098877-C-CA.
Other names: c.1072dup, p.Arg358fs (NM_001042410.2); c.442dup, p.Arg148fs (NM_001282792.2); short protein forms R148fs, R358fs.
Identifiers: ClinVar variation 2798067 (VCV002798067.3), dbSNP rs2544922874, ClinGen allele CA2503878576.